The following is an entry in ClinVar:

NM_014795.4(ZEB2):c.2630dup (p.Asn877fs)

Gene: ZEB2 (zinc finger E-box binding homeobox 2; minus strand). Cytogenetic location: 2q22.3.
Variant type: Duplication.
Coding change: c.2630dup on transcript NM_014795.4 (MANE Select); coding-DNA position 2630, one base duplicated (A; older notation c.2630dupA).
Protein change: p.Asn877fs; shifts the reading frame from asparagine 877.
Molecular consequence: frameshift variant.
Genome position (GRCh38, 1-based): chr2:144,398,557, T duplicated on the plus strand (A on the coding strand, the reverse complement: ZEB2 is on the minus strand); the first of 2 consecutive T bases (chr2:144,398,557-144,398,558); duplicating either gives the same sequence. VCF-style (leftmost placement, unchanged base first): chr2-144398556-G-GT. GRCh37 (hg19) VCF-style: chr2-145156123-G-GT.
Other names: c.2558dup, p.Asn853fs (NM_001171653.2); short protein forms N853fs, N877fs.
Identifiers: ClinVar variation 2696117 (VCV002696117.3), dbSNP rs2549105809, ClinGen allele CA2697551038.
Genomic context (GRCh38, chr2:144,398,556, plus strand): 5'-AGCTGTGTATAAAGGTTTGGCACTAAATGGGTTCATGCTGAACACTGGGTTAGTGCTTTT[G>GT]TTGTCCAGATTATTTGAATTTGAAAATTCCTTCTTGATAAAAGTCAAGTTCAGAGGCTCA-3'

ClinVar aggregate classification (germline): Pathogenic (1 of 4 stars; one submission).

Conditions:
Mowat-Wilson syndrome (MOWS). Also called: Classic Mowat-Wilson Syndrome. Identifiers: Orphanet 2152, MedGen C1856113, MONDO:0009341, OMIM 235730.

Submission:

Labcorp Genetics (formerly Invitae), Labcorp
Classification: Pathogenic for Mowat-Wilson syndrome. Last evaluated: 2023-11-15. Review status: criteria provided, single submitter. Criteria: Invitae Variant Classification Sherloc (09022015). Collection method: clinical testing. Allele origin: germline.
Comment: This sequence change creates a premature translational stop signal (p.Asn877Lysfs*5) in the ZEB2 gene. It is expected to result in an absent or disrupted protein product. Loss-of-function variants in ZEB2 are known to be pathogenic (PMID: 16053902). This variant is not present in population databases (gnomAD no frequency). This variant has not been reported in the literature in individuals affected with ZEB2-related conditions. For these reasons, this variant has been classified as Pathogenic.

Literature cited by the submitters: PubMed 16053902.